The following is an entry in ClinVar:

ClinVar aggregate classification (germline): Conflicting classifications of pathogenicity. Review status: criteria provided, conflicting classifications (1 of 4 stars). 7 submissions from 7 submitters: Uncertain significance (1); Likely benign (6). Last evaluated 2026-02-01.

Conditions:
TTN-related disorder. Also called: TTN-related condition; TTN-related disease; TTN-related disorders.
Cardiovascular phenotype. Identifiers: MedGen CN230736.
Dilated cardiomyopathy 1G (CMD1G). Identifiers: Orphanet 154, MedGen C1858763, MONDO:0011400, OMIM 604145.
Autosomal recessive limb-girdle muscular dystrophy type 2J (LGMDR10). Also called: Limb-girdle muscular dystrophy, type 2J; MUSCULAR DYSTROPHY, LIMB-GIRDLE, AUTOSOMAL RECESSIVE 10. Identifiers: Orphanet 140922, MedGen C1837342, MONDO:0012127, OMIM 608807.

Allele frequency attached by ClinVar (database versions not stated): gnomAD exomes 0.00006 and 0.00003; TOPMed 0.00006; ExAC 0.00002; gnomAD 0.00002 and 0.00003; 1000 Genomes Project 30x 0.00016.
gnomAD v4.1: 44 of 1,613,910 alleles (0.0027%); highest among the groups gnomAD compares: Middle Eastern, 0.033%; no homozygotes.

Submissions (7):

CeGaT Center for Human Genetics Tuebingen
Classification: Likely benign. Last evaluated: 2026-02-01. Review status: criteria provided, single submitter. Criteria: CeGaT Center For Human Genetics Tuebingen Variant Classification Criteria Version 2. Collection method: clinical testing. Allele origin: germline. Affected: yes. Observed: 7 variant alleles.
Comment: TTN: BP4, BP7

Labcorp Genetics (formerly Invitae), Labcorp
Classification: Likely benign for Dilated cardiomyopathy 1G; Autosomal recessive limb-girdle muscular dystrophy type 2J. Last evaluated: 2026-01-11. Review status: criteria provided, single submitter. Criteria: Invitae Variant Classification Sherloc (09022015). Collection method: clinical testing. Allele origin: germline.

PreventionGenetics, part of Exact Sciences
Classification: Likely benign for TTN-related condition. Last evaluated: 2025-09-01. Review status: criteria provided, single submitter. Criteria: ACMG Guidelines, 2015. Collection method: clinical testing. Allele origin: germline.
Comment: This variant is classified as likely benign based on ACMG/AMP sequence variant interpretation guidelines (Richards et al. 2015 PMID: 25741868, with internal and published modifications).

Blueprint Genetics
Classification: Likely benign. Last evaluated: 2023-05-12. Review status: criteria provided, single submitter. Criteria: ACMG Guidelines, 2015. Collection method: clinical testing. Allele origin: germline.

Ambry Genetics
Classification: Likely benign for Cardiovascular phenotype. Last evaluated: 2019-11-11. Review status: criteria provided, single submitter. Criteria: Ambry Variant Classification Scheme 2023. Collection method: clinical testing. Allele origin: germline.

GeneDx
Classification: Likely benign. Last evaluated: 2018-01-16. Review status: criteria provided, single submitter. Criteria: GeneDx Variant Classification (06012015). Collection method: clinical testing. Allele origin: germline. Affected: yes.
Comment: This variant is considered likely benign or benign based on one or more of the following criteria: it is a conservative change, it occurs at a poorly conserved position in the protein, it is predicted to be benign by multiple in silico algorithms, and/or has population frequency not consistent with disease.

Eurofins Ntd Llc (ga)
Classification: Uncertain significance. Last evaluated: 2016-11-15. Review status: criteria provided, single submitter. Criteria: EGL Classification Definitions 2015. Collection method: clinical testing. Allele origin: germline. Observed: 1 variant allele, 1 heterozygote.

NM_001267550.2(TTN):c.103302T>C (p.Tyr34434=)

Genes: TTN (titin; minus strand), TTN-AS1 (TTN antisense RNA 1; plus strand). Cytogenetic location: 2q31.2.
Variant type: single nucleotide variant.
Coding change: c.103302T>C on transcript NM_001267550.2 (MANE Select); coding-DNA position 103302, T replaced by C.
Protein change: p.Tyr34434=; no amino-acid change (tyrosine 34434 retained).
Molecular consequence: synonymous variant.
Genome position (GRCh38, 1-based): chr2:178,533,313, A>G on the plus strand (T>C on the coding strand, the complement: TTN is on the minus strand). VCF-style: chr2-178533313-A-G. GRCh37 (hg19) VCF-style: chr2-179398040-A-G.
Other names: c.98379T>C, p.Tyr32793= (NM_001256850.1); c.76107T>C, p.Tyr25369= (NM_003319.4); c.95598T>C, p.Tyr31866= (NM_133378.4); c.76482T>C, p.Tyr25494= (NM_133432.3); c.76683T>C, p.Tyr25561= (NM_133437.4).
Identifiers: ClinVar variation 498064 (VCV000498064.58), dbSNP rs773408387, ClinGen allele CA1985627.